The following is an entry in ClinVar:

ClinVar aggregate classification (germline): Uncertain significance. Review status: criteria provided, multiple submitters, no conflicts (2 of 4 stars). 3 submissions from 3 submitters: Uncertain significance (2). 1 of the submissions does not count toward it. Last evaluated 2022-06-20.

Conditions:
Nemaline myopathy 2 (NEM2). Also called: Nemaline myopathy 2, autosomal recessive. Identifiers: MedGen C1850569, MONDO:0009725, OMIM 256030.

Allele frequency attached by ClinVar (database versions not stated): gnomAD exomes 0.00001 and 0.00002; ExAC 0.00002; TOPMed 0.00006; gnomAD 0.00009 and 0.00010.
gnomAD v4.1: 25 of 1,613,836 alleles (0.0015%); highest among the groups gnomAD compares: African/African-American, 0.032%; no homozygotes.

Submissions (3):

Labcorp Genetics (formerly Invitae), Labcorp
Classification: Uncertain significance for Nemaline myopathy 2. Last evaluated: 2022-06-20. Review status: criteria provided, single submitter. Criteria: Invitae Variant Classification Sherloc (09022015). Collection method: clinical testing. Allele origin: germline.
Comment: This sequence change replaces aspartic acid, which is acidic and polar, with asparagine, which is neutral and polar, at codon 3091 of the NEB protein (p.Asp3091Asn). This variant is present in population databases (rs764110936, gnomAD 0.04%). This variant has not been reported in the literature in individuals affected with NEB-related conditions. ClinVar contains an entry for this variant (Variation ID: 1004397). Algorithms developed to predict the effect of missense changes on protein structure and function are either unavailable or do not agree on the potential impact of this missense change (SIFT: "Deleterious"; PolyPhen-2: "Not Available"; Align-GVGD: "Class C0"). In summary, the available evidence is currently insufficient to determine the role of this variant in disease. Therefore, it has been classified as a Variant of Uncertain Significance.

Revvity Omics, Revvity
Classification: Uncertain significance. Last evaluated: 2020-10-05. Review status: criteria provided, single submitter. Criteria: ACMG Guidelines, 2015. Collection method: clinical testing. Allele origin: germline.

Natera, Inc.
Classification: Uncertain significance for Nemaline myopathy type 2. Last evaluated: 2020-01-17. Review status: no assertion criteria provided. Collection method: clinical testing. Allele origin: germline. Not counted in ClinVar's aggregate classification.

NM_001164508.2(NEB):c.9271G>A (p.Asp3091Asn)

Gene: NEB (nebulin; minus strand). Cytogenetic location: 2q23.3.
Variant type: single nucleotide variant.
Coding change: c.9271G>A on transcript NM_001164508.2 (MANE Select); coding-DNA position 9271, G replaced by A.
Protein change: p.Asp3091Asn; replaces aspartic acid 3091 with asparagine.
Molecular consequence: missense variant. On other transcripts: intron variant (1).
Genome position (GRCh38, 1-based): chr2:151,633,797, C>T on the plus strand (G>A on the coding strand, the complement: NEB is on the minus strand). VCF-style: chr2-151633797-C-T. GRCh37 (hg19) VCF-style: chr2-152490311-C-T.
Other names: c.9271G>A, p.Asp3091Asn (NM_001164507.2, NM_001271208.2); c.8854-2619G>A (NM_004543.5); c.9271G>A (NM_001271208.1); short protein forms D3091N.
Identifiers: ClinVar variation 1004397 (VCV001004397.12), dbSNP rs764110936, ClinGen allele CA1909372.